The following is an entry in ClinVar:

ClinVar aggregate classification (germline): Conflicting classifications of pathogenicity. Review status: criteria provided, conflicting classifications (1 of 4 stars). 2 submissions from 2 submitters: Pathogenic (1); Uncertain significance (1). Last evaluated 2026-09-08.

Conditions:
Fabry disease. Also called: Fabry's disease; ALPHA-GALACTOSIDASE A DEFICIENCY; ANDERSON-FABRY DISEASE; CERAMIDE TRIHEXOSIDASE DEFICIENCY; Ceramide trihexosidosis; GLA DEFICIENCY. Identifiers: Orphanet 324, MedGen C0002986, MONDO:0010526, OMIM 301500, HP:0001071. Disease mechanism: Fabry disease is due to inactivating mutations in the X-linked GLA gene resulting in deficiency of the enzyme Alpha Galactosidase-A., loss of function.
Cardiovascular phenotype. Identifiers: MedGen CN230736.

Submissions (2):

Genomenon, Inc
Classification: Pathogenic for Fabry disease. Last evaluated: 2026-09-08. Review status: criteria provided, single submitter. Criteria: Genomenon Sequence Variant Interpretation Standards - Updated. Collection method: curation. Allele origin: germline. Affected: yes.
Comment: GLA p.Asp266His (c.796G>C) is a missense variant that changes the amino acid at codon 266 from Aspartic acid to Histidine. This variant has been observed in at least one proband with clinical features consistent with Fabry disease (PMID:10916280). At least one functional study has demonstrated a substantial alteration in protein function relative to the wild-type (PMID:27657681). This variant is located in a mutational hotspot and/or important functional domain. It is absent or not present at a significant frequency in gnomAD. In silico models predict that this variant is possibly or probably damaging. In conclusion, we classify GLA p.Asp266His (c.796G>C) as a pathogenic variant.

Ambry Genetics
Classification: Uncertain significance for Cardiovascular phenotype. Last evaluated: 2023-03-24. Review status: criteria provided, single submitter. Criteria: Ambry Variant Classification Scheme 2023. Collection method: clinical testing. Allele origin: germline.
Comment: The p.D266H variant (also known as c.796G>C), located in coding exon 5 of the GLA gene, results from a G to C substitution at nucleotide position 796. The aspartic acid at codon 266 is replaced by histidine, an amino acid with similar properties. This amino acid position is highly conserved in available vertebrate species. In addition, this alteration is predicted to be deleterious by in silico analysis. Since supporting evidence is limited at this time, the clinical significance of this alteration remains unclear.

Literature cited by the submitters: PubMed 10916280 (cited by Genomenon, Inc and Ambry Genetics); PubMed 27657681 (cited by Genomenon, Inc).

NM_000169.3(GLA):c.796G>C (p.Asp266His)

Genes: GLA (galactosidase alpha; minus strand), RPL36A-HNRNPH2 (RPL36A-HNRNPH2 readthrough; plus strand). Cytogenetic location: Xq22.1.
Variant type: single nucleotide variant.
Coding change: c.796G>C on transcript NM_000169.3 (MANE Select); coding-DNA position 796, G replaced by C.
Protein change: p.Asp266His; replaces aspartic acid 266 with histidine.
Molecular consequence: missense variant. On other transcripts: non-coding transcript variant (3), intron variant (2).
Genome position (GRCh38, 1-based): chrX:101,398,790, C>G on the plus strand (G>C on the coding strand, the complement: GLA is on the minus strand). VCF-style: chrX-101398790-C-G. GRCh37 (hg19) VCF-style: chrX-100653778-C-G.
Other names: c.919G>C, p.Asp307His (NM_001406747.1); c.796G>C, p.Asp266His (NM_001406748.1); c.300+3333C>G (NM_001199973.2); c.177+6968C>G (NM_001199974.2); short protein forms D307H, D266H.
Identifiers: ClinVar variation 2561481 (VCV002561481.4), dbSNP rs869312407, ClinGen allele CA413923816.
Genomic context (GRCh38, chrX:101,398,790, plus strand): 5'-AAATAGGAAACAAGCCTACCGCAGGGTCTTGAACAAGGAGGGCTCAAGTTTTTACCATAT[C>G]TGGGTCATTCCAACCCCCTGGTCCAGCAACATCAACAATTCTCTCCTGGTTAAAAGATGT-3'
Protein context (NP_000160.1, residues 256-276): VAGPGGWNDP[Asp266His]MLVIGNFGLS